The following is an entry in ClinVar:

NM_000441.2(SLC26A4):c.1228A>C (p.Thr410Pro)

Gene: SLC26A4 (solute carrier family 26 member 4; plus strand). Cytogenetic location: 7q22.3.
Variant type: single nucleotide variant.
Coding change: c.1228A>C on transcript NM_000441.2 (MANE Select); coding-DNA position 1228, A replaced by C.
Protein change: p.Thr410Pro; replaces threonine 410 with proline.
Molecular consequence: missense variant.
Genome position (GRCh38, 1-based): chr7:107,690,202, A>C. VCF-style: chr7-107690202-A-C. GRCh37 (hg19) VCF-style: chr7-107330647-A-C.
Other names: short protein forms T410P.
Identifiers: ClinVar variation 3601732 (VCV003601732.1).

ClinVar aggregate classification (germline): Likely pathogenic (1 of 4 stars; one submission).

Conditions:
Autosomal recessive nonsyndromic hearing loss 4 (DFNB4). Also called: Deafness, autosomal recessive 4; FOXI1-Related Pendred Syndrome; KCNJ10-Related Pendred Syndrome; DEAFNESS, AUTOSOMAL RECESSIVE 4, WITH ENLARGED VESTIBULAR AQUEDUCT, DIGENIC; NEUROSENSORY NONSYNDROMIC RECESSIVE DEAFNESS 4; Nonsyndromic enlarged vestibular aqueduct (NSEVA). Identifiers: Orphanet 90636, MedGen C3538946, MONDO:0010933, OMIM 600791.

Submission:

Institute of Rare Diseases, West China Hospital, Sichuan University
Classification: Likely pathogenic for Autosomal recessive nonsyndromic hearing loss 4. Last evaluated: 2025-01-09. Review status: criteria provided, single submitter. Criteria: ClinGen HL ACMG Specifications v1. Collection method: research. Allele origin: germline. Affected: yes.
Comment: PM2_Supporting;PM3;PP3;PP1;PP4